The following is an entry in ClinVar:

NM_016417.3(GLRX5):c.138C>G (p.Asp46Glu)

Gene: GLRX5 (glutaredoxin 5; plus strand). Cytogenetic location: 14q32.13.
Variant type: single nucleotide variant.
Coding change: c.138C>G on transcript NM_016417.3 (MANE Select); coding-DNA position 138, C replaced by G.
Protein change: p.Asp46Glu; replaces aspartic acid 46 with glutamic acid.
Molecular consequence: missense variant.
Genome position (GRCh38, 1-based): chr14:95,535,227, C>G. VCF-style: chr14-95535227-C-G. GRCh37 (hg19) VCF-style: chr14-96001564-C-G.
Other names: short protein forms D46E.
Identifiers: ClinVar variation 4761019 (VCV004761019.1).

ClinVar aggregate classification (germline): Uncertain significance (1 of 4 stars; one submission).

Submission:

Labcorp Genetics (formerly Invitae), Labcorp
Classification: Uncertain significance. Last evaluated: 2025-03-29. Review status: criteria provided, single submitter. Criteria: Invitae Variant Classification Sherloc (09022015). Collection method: clinical testing. Allele origin: germline.
Comment: This sequence change replaces aspartic acid, which is acidic and polar, with glutamic acid, which is acidic and polar, at codon 46 of the GLRX5 protein (p.Asp46Glu). This variant is not present in population databases (gnomAD no frequency). This variant has not been reported in the literature in individuals affected with GLRX5-related conditions. Experimental studies and prediction algorithms are not available or were not evaluated, and the functional significance of this variant is currently unknown. In summary, the available evidence is currently insufficient to determine the role of this variant in disease. Therefore, it has been classified as a Variant of Uncertain Significance.